The following is an entry in ClinVar:

NM_003128.3(SPTBN1):c.3378G>C (p.Glu1126Asp)

Gene: SPTBN1 (spectrin beta, non-erythrocytic 1; plus strand). Cytogenetic location: 2p16.2.
Variant type: single nucleotide variant.
Coding change: c.3378G>C on transcript NM_003128.3 (MANE Select); coding-DNA position 3378, G replaced by C.
Protein change: p.Glu1126Asp; replaces glutamic acid 1126 with aspartic acid.
Molecular consequence: missense variant.
Genome position (GRCh38, 1-based): chr2:54,631,425, G>C. VCF-style: chr2-54631425-G-C. GRCh37 (hg19) VCF-style: chr2-54858562-G-C.
Other names: c.3339G>C, p.Glu1113Asp (NM_178313.3); short protein forms E1113D, E1126D.
Identifiers: ClinVar variation 2349767 (VCV002349767.3), dbSNP rs148270144, ClinGen allele CA1660796.

ClinVar aggregate classification (germline): Conflicting classifications of pathogenicity. Review status: criteria provided, conflicting classifications (1 of 4 stars). 2 submissions from 2 submitters: Uncertain significance (1); Likely benign (1). Last evaluated 2024-11-13.

Conditions:
SPTBN1-related disorder. Also called: SPTBN1-related condition.
Inborn genetic diseases. Identifiers: MedGen C0950123, MeSH D030342.

Allele frequency attached by ClinVar (database versions not stated): ExAC 0.00006; gnomAD 0.00026; TOPMed 0.00030; ESP Exome Variant Server 0.00046.
gnomAD v4.1: 86 of 1,614,164 alleles (0.0053%); highest among the groups gnomAD compares: African/African-American, 0.11%; no homozygotes.

Submissions (2):

PreventionGenetics, part of Exact Sciences
Classification: Likely benign for SPTBN1-related condition. Last evaluated: 2024-11-13. Review status: criteria provided, single submitter. Criteria: ACMG Guidelines, 2015. Collection method: clinical testing. Allele origin: germline.
Comment: This variant is classified as likely benign based on ACMG/AMP sequence variant interpretation guidelines (Richards et al. 2015 PMID: 25741868, with internal and published modifications).

Ambry Genetics
Classification: Uncertain significance for Inborn genetic diseases. Last evaluated: 2021-10-14. Review status: criteria provided, single submitter. Criteria: Ambry Variant Classification Scheme 2023. Collection method: clinical testing. Allele origin: germline.